The following is an entry in ClinVar:

ClinVar aggregate classification (germline): Uncertain significance (1 of 4 stars; one submission).

Allele frequency attached by ClinVar (database versions not stated): gnomAD 0.00001; TOPMed 0.00001.

Submission:

GeneDx
Classification: Uncertain significance. Last evaluated: 2023-09-15. Review status: criteria provided, single submitter. Criteria: GeneDx Variant Classification Process June 2021. Collection method: clinical testing. Allele origin: germline. Affected: yes.
Comment: Not observed at significant frequency in large population cohorts (gnomAD); In silico analysis supports that this missense variant has a deleterious effect on protein structure/function; Has not been previously published as a pathogenic or benign germline variant to our knowledge; This variant is associated with the following publications: (PMID: 32348748)

NM_001367721.1(CASK):c.835C>T (p.Arg279Trp)

Gene: CASK (calcium/calmodulin dependent serine protein kinase; minus strand). Cytogenetic location: Xp11.4.
Variant type: single nucleotide variant.
Coding change: c.835C>T on transcript NM_001367721.1 (MANE Select); coding-DNA position 835, C replaced by T.
Protein change: p.Arg279Trp; replaces arginine 279 with tryptophan.
Molecular consequence: missense variant.
Genome position (GRCh38, 1-based): chrX:41,636,658, G>A on the plus strand (C>T on the coding strand, the complement: CASK is on the minus strand). VCF-style: chrX-41636658-G-A. GRCh37 (hg19) VCF-style: chrX-41495911-G-A.
Other names: c.835C>T, p.Arg279Trp (NM_001126054.3, NM_001126055.3, NM_001410745.1 and 1 more transcripts); short protein forms R279W.
Identifiers: ClinVar variation 2136154 (VCV002136154.3), dbSNP rs2066559672, ClinGen allele CA412994735.